The following is an entry in ClinVar:

NM_000052.7(ATP7A):c.2086_2087del (p.His696fs)

Gene: ATP7A (ATPase copper transporting alpha; plus strand). Cytogenetic location: Xq21.1.
Variant type: Deletion.
Coding change: c.2086_2087del on transcript NM_000052.7 (MANE Select); coding-DNA positions 2086 to 2087, 2 bases deleted (CA; older notation c.2086_2087delCA).
Protein change: p.His696fs; shifts the reading frame from histidine 696.
Molecular consequence: frameshift variant.
Genome position (GRCh38, 1-based): chrX:78,011,588-78,011,589, CA deleted. VCF-style (leftmost placement, unchanged base first): chrX-78011587-TCA-T. GRCh37 (hg19) VCF-style: chrX-77267084-TCA-T.
Other names: c.2086_2087del, p.His696fs (NM_001282224.2); short protein forms H696fs.
Identifiers: ClinVar variation 1725630 (VCV001725630.3), dbSNP rs2522350311, ClinGen allele CA2580101494.

ClinVar aggregate classification (germline): Likely pathogenic (1 of 4 stars; one submission).

Conditions:
Menkes kinky-hair syndrome (MNK). Also called: Copper transport disease; Classic Menkes Disease; Menkes Disease. Identifiers: Orphanet 565, MedGen C0022716, MONDO:0010651, OMIM 309400.

Submission:

Myriad Genetics, Inc.
Classification: Likely pathogenic for Menkes kinky-hair syndrome. Last evaluated: 2022-03-30. Review status: criteria provided, single submitter. Criteria: Myriad Autosomal Dominant, Autosomal Recessive and X-Linked Classification Criteria (2023). Collection method: clinical testing. Allele origin: unknown.
Comment: NM_000052.5(ATP7A):c.2086_2087delCA(H696Ffs*41) is expected to be pathogenic in the context of ATP7A-related disorders. This variant is predicted to lead to an abnormal or absent protein product due to the creation of a premature termination codon in ATP7A, a gene where loss-of-function variants are known to be pathogenic. Please note: this variant was assessed in the context of healthy population screening.